The following is an entry in ClinVar:

NM_017636.4(TRPM4):c.2853C>T (p.Leu951=)

Gene: TRPM4 (transient receptor potential cation channel subfamily M member 4; plus strand). Cytogenetic location: 19q13.33.
Variant type: single nucleotide variant.
Coding change: c.2853C>T on transcript NM_017636.4 (MANE Select); coding-DNA position 2853, C replaced by T.
Protein change: p.Leu951=; no amino-acid change (leucine 951 retained).
Molecular consequence: synonymous variant.
Genome position (GRCh38, 1-based): chr19:49,200,685, C>T. VCF-style: chr19-49200685-C-T. GRCh37 (hg19) VCF-style: chr19-49703942-C-T.
Other names: c.1791C>T, p.Leu597= (NM_001321285.2); c.2418C>T, p.Leu806= (NM_001195227.2); c.2508C>T, p.Leu836= (NM_001321281.2); c.1245C>T, p.Leu415= (NM_001321282.2); c.2331C>T, p.Leu777= (NM_001321283.2).
Identifiers: ClinVar variation 1796861 (VCV001796861.22), dbSNP rs1459547611, ClinGen allele CA508103897.

ClinVar aggregate classification (germline): Likely benign. Review status: criteria provided, multiple submitters, no conflicts (2 of 4 stars). 2 submissions from 2 submitters: Likely benign (2). Last evaluated 2024-04-01.

Conditions:
Cardiovascular phenotype. Identifiers: MedGen CN230736.

Allele frequency attached by ClinVar (database versions not stated): gnomAD exomes below 0.00001; gnomAD 0.00001; TOPMed 0.00001.
gnomAD v4.1: 4 of 1,613,974 alleles (0.00025%); highest among the groups gnomAD compares: Non-Finnish European, 0.00034%; no homozygotes.

Submissions (2):

CeGaT Center for Human Genetics Tuebingen
Classification: Likely benign. Last evaluated: 2024-04-01. Review status: criteria provided, single submitter. Criteria: CeGaT Center For Human Genetics Tuebingen Variant Classification Criteria Version 2. Collection method: clinical testing. Allele origin: germline. Affected: yes. Observed: 1 variant allele.
Comment: TRPM4: BP4, BP7

Ambry Genetics
Classification: Likely benign for Cardiovascular phenotype. Last evaluated: 2020-07-07. Review status: criteria provided, single submitter. Criteria: Ambry Variant Classification Scheme 2023. Collection method: clinical testing. Allele origin: germline.